The following is an entry in ClinVar:

ClinVar aggregate classification (germline): Benign (1 of 4 stars; one submission).

Allele frequency attached by ClinVar (database versions not stated): ExAC 0.00681; 1000 Genomes Project 30x 0.02030; gnomAD exomes 0.00553; 1000 Genomes Project 0.01877; ESP Exome Variant Server 0.02445; TOPMed 0.02306; gnomAD 0.02088.
gnomAD v4.1: 6,127 of 1,539,968 alleles (0.4%); highest among the groups gnomAD compares: African/African-American, 7.3%; 190 homozygotes.

Submission:

GeneDx
Classification: Benign. Last evaluated: 2018-06-16. Review status: criteria provided, single submitter. Criteria: GeneDx Variant Classification (06012015). Collection method: clinical testing. Allele origin: germline. Affected: yes.
Comment: This variant is considered likely benign or benign based on one or more of the following criteria: it is a conservative change, it occurs at a poorly conserved position in the protein, it is predicted to be benign by multiple in silico algorithms, and/or has population frequency not consistent with disease.

NM_000414.4(HSD17B4):c.59-33C>G

Gene: HSD17B4 (hydroxysteroid 17-beta dehydrogenase 4; plus strand). Cytogenetic location: 5q23.1.
Variant type: single nucleotide variant.
Coding change: c.59-33C>G on transcript NM_000414.4 (MANE Select); 33 bases into the intron before coding-DNA position 59, C replaced by G.
Molecular consequence: intron variant.
Genome position (GRCh38, 1-based): chr5:119,456,282, C>G. VCF-style: chr5-119456282-C-G. GRCh37 (hg19) VCF-style: chr5-118791977-C-G.
Other names: c.69-33C>G (NM_001199291.3); c.-353-33C>G (NM_001292028.2); c.-79-33C>G (NM_001292027.2); c.58+3649C>G (NM_001199292.2).
Identifiers: ClinVar variation 676888 (VCV000676888.1), dbSNP rs2678083, ClinGen allele CA3381648.